The following is an entry in ClinVar:

ClinVar aggregate classification (germline): Uncertain significance (1 of 4 stars; one submission).

Submission:

Labcorp Genetics (formerly Invitae), Labcorp
Classification: Uncertain significance. Last evaluated: 2023-04-26. Review status: criteria provided, single submitter. Criteria: Invitae Variant Classification Sherloc (09022015). Collection method: clinical testing. Allele origin: germline.
Comment: An algorithm developed to predict the effect of missense changes on protein structure and function (PolyPhen-2) suggests that this variant is likely to be disruptive. This variant has not been reported in the literature in individuals affected with ICOSLG-related conditions. This variant is not present in population databases (gnomAD no frequency). This sequence change replaces glycine, which is neutral and non-polar, with arginine, which is basic and polar, at codon 163 of the ICOSLG protein (p.Gly163Arg). In summary, the available evidence is currently insufficient to determine the role of this variant in disease. Therefore, it has been classified as a Variant of Uncertain Significance.

NM_015259.6(ICOSLG):c.487G>C (p.Gly163Arg)

Gene: ICOSLG (inducible T cell costimulator ligand; minus strand). Cytogenetic location: 21q22.3.
Variant type: single nucleotide variant.
Coding change: c.487G>C on transcript NM_015259.6 (MANE Select); coding-DNA position 487, G replaced by C.
Protein change: p.Gly163Arg; replaces glycine 163 with arginine.
Molecular consequence: missense variant.
Genome position (GRCh38, 1-based): chr21:44,235,482, C>G on the plus strand (G>C on the coding strand, the complement: ICOSLG is on the minus strand). VCF-style: chr21-44235482-C-G. GRCh37 (hg19) VCF-style: chr21-45655365-C-G.
Other names: c.487G>C, p.Gly163Arg (NM_001283050.2, NM_001395918.1); c.136G>C, p.Gly46Arg (NM_001283051.2); c.232G>C, p.Gly78Arg (NM_001283052.2); c.406G>C, p.Gly136Arg (NM_001365759.2); short protein forms G46R, G163R, G78R, G136R.
Identifiers: ClinVar variation 2859651 (VCV002859651.3), dbSNP rs2517846036, ClinGen allele CA410615130.